The following is an entry in ClinVar:

NM_182931.3(KMT2E):c.2683del (p.Tyr895fs)

Gene: KMT2E (lysine methyltransferase 2E (inactive); plus strand). Cytogenetic location: 7q22.3.
Variant type: Deletion.
Coding change: c.2683del on transcript NM_182931.3 (MANE Select); coding-DNA position 2683, one base deleted (T; older notation c.2683delT).
Protein change: p.Tyr895fs; shifts the reading frame from tyrosine 895.
Molecular consequence: frameshift variant.
Genome position (GRCh38, 1-based): chr7:105,106,608, T deleted. VCF-style (leftmost placement, unchanged base first): chr7-105106607-GT-G. GRCh37 (hg19) VCF-style: chr7-104747054-GT-G.
Other names: c.2683delT, p.Tyr895Metfs (NM_001410908.1); c.2683del, p.Tyr895fs (NM_018682.4); short protein forms Y895fs.
Identifiers: ClinVar variation 1999059 (VCV001999059.4), dbSNP rs2536506247, ClinGen allele CA2580076095.

ClinVar aggregate classification (germline): Pathogenic (1 of 4 stars; one submission).

Submission:

Labcorp Genetics (formerly Invitae), Labcorp
Classification: Pathogenic. Last evaluated: 2022-06-07. Review status: criteria provided, single submitter. Criteria: Invitae Variant Classification Sherloc (09022015). Collection method: clinical testing. Allele origin: germline.
Comment: This variant has not been reported in the literature in individuals affected with KMT2E-related conditions. This variant is not present in population databases (gnomAD no frequency). This sequence change creates a premature translational stop signal (p.Tyr895Metfs*22) in the KMT2E gene. It is expected to result in an absent or disrupted protein product. Loss-of-function variants in KMT2E are known to be pathogenic (PMID: 31079897). For these reasons, this variant has been classified as Pathogenic.

Literature cited by the submitters: PubMed 31079897.